The following is an entry in ClinVar:

NC_000001.10:g.(?_161284158)_(161284225_?)del

Gene: SDHC (succinate dehydrogenase complex subunit C; plus strand). Cytogenetic location: 1q23.3.
Variant type: Deletion.
Identifiers: ClinVar variation 2424601 (VCV002424601.12).

ClinVar aggregate classification (germline): Pathogenic (1 of 4 stars; one submission).

Conditions:
Gastrointestinal stromal tumor. Also called: Gastrointestinal stroma tumor; Gastrointestinal stromal tumor, somatic. Identifiers: Orphanet 44890, MedGen C0238198, MeSH D046152, MONDO:0011719, OMIM 606764, HP:0100723.
Pheochromocytoma/paraganglioma syndrome 3. Also called: GLOMUS TUMORS, FAMILIAL, 3; Paragangliomas 3; SDHC-Related Hereditary Paraganglioma-Pheochromocytoma Syndrome (Paragangliomas 3); SDHC-Related Hereditary Paraganglioma-Pheochromocytoma Syndrome. Identifiers: Orphanet 29072, MedGen C1854336, MONDO:0011544, OMIM 605373.

Submission:

Labcorp Genetics (formerly Invitae), Labcorp
Classification: Pathogenic for Pheochromocytoma/paraganglioma syndrome 3; Gastrointestinal stromal tumor. Last evaluated: 2022-04-27. Review status: criteria provided, single submitter. Criteria: Invitae Variant Classification Sherloc (09022015). Collection method: clinical testing. Allele origin: germline.
Comment: This variant is a gross deletion of the genomic region encompassing exon(s) 1 of the SDHC gene, which includes the initiator codon. This deletion extends beyond the assayed region for this gene and therefore may encompass additional genes. It is expected to result in an absent or disrupted protein product. Loss-of-function variants in SDHC are known to be pathogenic (PMID: 17667967, 19454582, 23282968, 24758179). A similar copy number variant has been observed in individual(s) with head and neck and/or thoracic-abdominal pelvic paragangliomas (PMID: 19454582). For these reasons, this variant has been classified as Pathogenic.

Literature cited by the submitters: PubMed 17667967; PubMed 19454582; PubMed 23282968; PubMed 24758179.